The following is an entry in ClinVar:

NM_015506.3(MMACHC):c.440G>A (p.Gly147Asp)

Gene: MMACHC (metabolism of cobalamin associated C; plus strand). Cytogenetic location: 1p34.1.
Variant type: single nucleotide variant.
Coding change: c.440G>A on transcript NM_015506.3 (MANE Select); coding-DNA position 440, G replaced by A.
Protein change: p.Gly147Asp; replaces glycine 147 with aspartic acid.
Molecular consequence: missense variant.
Genome position (GRCh38, 1-based): chr1:45,508,806, G>A. VCF-style: chr1-45508806-G-A. GRCh37 (hg19) VCF-style: chr1-45974478-G-A.
Other names: p.G147D:GGT>GAT; c.269G>A, p.Gly90Asp (NM_001330540.2); short protein forms G147D, G90D.
Identifiers: ClinVar variation 203829 (VCV000203829.25), dbSNP rs140522266, ClinGen allele CA312733.
Genomic context (GRCh38, chr1:45,508,806, plus strand): 5'-TGGTGCCAAGGGGACCTCCATGACCTTGCTTTTCTTCACCCTCTCCCCAGCGCATATCAG[G>A]TGTGTGCATACACCCCCGATTTGGGGGCTGGTTTGCCATCCGAGGGGTAGTGCTGCTGCC-3'
Protein context (NP_056321.2, residues 137-157): ADPWGNQRIS[Gly147Asp]VCIHPRFGGW

ClinVar aggregate classification (germline): Pathogenic/Likely pathogenic. Review status: criteria provided, multiple submitters, no conflicts (2 of 4 stars). 10 submissions from 10 submitters: Pathogenic (8); Likely pathogenic (1). 1 of the submissions does not count toward it. Last evaluated 2025-09-15.

Conditions:
MMACHC-related disorder. Also called: MMACHC-related condition.
Cobalamin C disease. Also called: Methylmalonic aciduria and homocystinuria, Vitamin B12-responsive; Vitamin B12 metabolic defect with combined deficiency of methylmalonyl-CoA mutase and homocysteine:methyltetrahydrofolate methyltransferase; Methylmalonic aciduria with homocystinuria cblC type; Cobalamin-C methylmalonic acidemia and homocystinuria; Methylmalonic acidemia and homocystinuria cblC type; methylmalonic aciduria and homocystinuria type cblC. Identifiers: Orphanet 26, Orphanet 79282, MedGen C1848561, MONDO:0010184, OMIM 277400.

gnomAD v4.1: 8 of 1,613,972 alleles (0.0005%); highest among the groups gnomAD compares: East Asian, 0.0067%; no homozygotes.

Submissions (10):

Natera, Inc.
Classification: Pathogenic for Methylmalonic aciduria and homocystinuria cblC type. Last evaluated: 2025-09-15. Review status: criteria provided, single submitter. Criteria: Natera Variant Classification Schema (03/2026). Collection method: clinical testing. Allele origin: germline.
Comment: The c.440G>A variant in MMACHC is a missense variant predicted to cause substitution of glycine to aspartic acid at amino acid 147. This variant is rare in the general population with a frequency below the threshold expected for the associated phenotype(s). This variant has been observed in one or more individuals affected with the associated recessive disease, as either homozygous or compound heterozygous with a second variant (PMID: 16714133, 36246604). A different variant at the same position has been determined to be Pathogenic or Likely Pathogenic. Computational prediction algorithms indicate this variant is likely to affect gene or protein function. Given the available evidence, this variant is classified as Pathogenic.

Labcorp Genetics (formerly Invitae), Labcorp
Classification: Pathogenic for Cobalamin C disease. Last evaluated: 2024-10-24. Review status: criteria provided, single submitter. Criteria: Invitae Variant Classification Sherloc (09022015). Collection method: clinical testing. Allele origin: germline.
Comment: This sequence change replaces glycine, which is neutral and non-polar, with aspartic acid, which is acidic and polar, at codon 147 of the MMACHC protein (p.Gly147Asp). This variant is present in population databases (rs140522266, gnomAD 0.003%). This missense change has been observed in individual(s) with methylmalonic aciduria and homocystinuria (PMID: 16311595, 16714133, 19370762, 19700356, 25672861, 26825575). In at least one individual the data is consistent with being in trans (on the opposite chromosome) from a pathogenic variant. ClinVar contains an entry for this variant (Variation ID: 203829). Invitae Evidence Modeling of protein sequence and biophysical properties (such as structural, functional, and spatial information, amino acid conservation, physicochemical variation, residue mobility, and thermodynamic stability) has been performed for this missense variant. However, the output from this modeling did not meet the statistical confidence thresholds required to predict the impact of this variant on MMACHC protein function. Experimental studies have shown that this missense change affects MMACHC function (PMID: 19700356). For these reasons, this variant has been classified as Pathogenic.

Blueprint Genetics
Classification: Pathogenic for MMACHC-related disorders. Last evaluated: 2023-12-06. Review status: criteria provided, single submitter. Criteria: ACMG Guidelines, 2015. Collection method: clinical testing. Allele origin: germline. Affected: yes. Observed: 3 variant alleles.

Genome-Nilou Lab
Classification: Likely pathogenic for Cobalamin C disease. Last evaluated: 2023-04-11. Review status: criteria provided, single submitter. Criteria: ACMG Guidelines, 2015. Collection method: clinical testing. Allele origin: germline. Affected: no.

Department of Pathology and Laboratory Medicine, Sinai Health System
Classification: Pathogenic for Cobalamin C disease. Last evaluated: 2023-02-21. Review status: criteria provided, single submitter. Criteria: ACMG Guidelines, 2015. Collection method: research. Allele origin: germline.

GeneDx
Classification: Pathogenic. Last evaluated: 2022-06-24. Review status: criteria provided, single submitter. Criteria: GeneDx Variant Classification Process June 2021. Collection method: clinical testing. Allele origin: germline. Affected: yes.
Comment: Not observed at significant frequency in large population cohorts (gnomAD); In silico analysis supports that this missense variant has a deleterious effect on protein structure/function; This variant is associated with the following publications: (PMID: 35361390, 25672861, 19700356, 16311595, 25689098, 31663237, 31503356, 26582918)

Fulgent Genetics
Classification: Pathogenic for Cobalamin C disease. Last evaluated: 2022-05-25. Review status: criteria provided, single submitter. Criteria: ACMG Guidelines, 2015. Collection method: clinical testing. Allele origin: unknown.

Revvity Omics, Revvity
Classification: Pathogenic for Cobalamin C disease. Last evaluated: 2019-12-13. Review status: criteria provided, single submitter. Criteria: ACMG Guidelines, 2015. Collection method: clinical testing. Allele origin: germline.

Women's Health and Genetics/Laboratory Corporation of America, LabCorp
Classification: Pathogenic for Cobalamin C disease. Last evaluated: 2016-08-18. Review status: criteria provided, single submitter. Criteria: LabCorp Variant Classification Summary - May 2015. Collection method: clinical testing. Allele origin: germline.
Comment: Variant summary: The MMACHC c.440G>A (p.Gly147Asp) variant involves the alteration of a highly conserved nucleotide. 3/3 in silico tools predict a damaging outcome for this variant (SNPs&GO not captured due to low reliability index). This variant was found in 3/115624 control chromosomes at a frequency of 0.0000259, which does not exceed the estimated maximal expected allele frequency of a pathogenic MMACHC variant (0.0030542). This variant has been reported in numerous CBLC patients. Multiple clinical diagnostic laboratories/reputable databases classified this variant as pathogenic. In addition, p.Gly147Ala is also classified as pathogenic in ClinVar, suggesting Gly147 is critical for MMACHC function, which is confirmed by a functional study showed that G147D mutation was unable to bind either hydroxyl form of vitamin B12 (OHCbl) or cyano derivative (CNCbl). Taken together, this variant is classified as pathogenic.

Counsyl
Classification: Likely pathogenic for Cobalamin C disease. Last evaluated: 2017-01-13. Review status: no assertion criteria provided. Collection method: clinical testing. Allele origin: unknown. Not counted in ClinVar's aggregate classification.

Literature cited by the submitters: PubMed 16714133 (cited by Natera, Inc. and Labcorp Genetics (formerly Invitae), Labcorp); PubMed 36246604 (cited by Natera, Inc.); PubMed 16311595 (cited by 3 submitters); PubMed 19370762 (cited by Labcorp Genetics (formerly Invitae), Labcorp); PubMed 19700356 (cited by 3 submitters); PubMed 25672861 (cited by Labcorp Genetics (formerly Invitae), Labcorp); PubMed 26825575 (cited by Labcorp Genetics (formerly Invitae), Labcorp).